The following is an entry in ClinVar:

NM_005560.6(LAMA5):c.8463T>C (p.Asp2821=)

Gene: LAMA5 (laminin subunit alpha 5; minus strand). Cytogenetic location: 20q13.33.
Variant type: single nucleotide variant.
Coding change: c.8463T>C on transcript NM_005560.6 (MANE Select); coding-DNA position 8463, T replaced by C.
Protein change: p.Asp2821=; no amino-acid change (aspartic acid 2821 retained).
Molecular consequence: synonymous variant.
Genome position (GRCh38, 1-based): chr20:62,314,345, A>G on the plus strand (T>C on the coding strand, the complement: LAMA5 is on the minus strand). VCF-style: chr20-62314345-A-G. GRCh37 (hg19) VCF-style: chr20-60889401-A-G.
Identifiers: ClinVar variation 3056350 (VCV003056350.2), dbSNP rs1293968948, ClinGen allele CA511114633.

ClinVar aggregate classification (germline): Likely benign (0 of 4 stars; one submission).

Conditions:
LAMA5-related disorder. Also called: LAMA5-Related Disorders; LAMA5-related condition.

Allele frequency attached by ClinVar (database versions not stated): gnomAD exomes below 0.00001.
gnomAD v4.1: 6 of 1,613,282 alleles (0.00037%); highest among the groups gnomAD compares: Admixed American, 0.0067%; no homozygotes.

Submission:

PreventionGenetics, part of Exact Sciences
Classification: Likely benign for LAMA5-related condition. Last evaluated: 2021-08-19. Review status: no assertion criteria provided. Collection method: clinical testing. Allele origin: germline.
Comment: This variant is classified as likely benign based on ACMG/AMP sequence variant interpretation guidelines (Richards et al. 2015 PMID: 25741868, with internal and published modifications).